The following is an entry in ClinVar:

ClinVar aggregate classification (germline): Uncertain significance (1 of 4 stars; one submission).

Conditions:
Bardet-Biedl syndrome (BBS). Identifiers: Orphanet 110, MedGen C0752166, MONDO:0015229.

Submission:

Labcorp Genetics (formerly Invitae), Labcorp
Classification: Uncertain significance for Bardet-Biedl syndrome. Last evaluated: 2022-03-27. Review status: criteria provided, single submitter. Criteria: Invitae Variant Classification Sherloc (09022015). Collection method: clinical testing. Allele origin: germline.
Comment: This variant has not been reported in the literature in individuals affected with BBS4-related conditions. This variant is not present in population databases (gnomAD no frequency). This sequence change replaces valine, which is neutral and non-polar, with isoleucine, which is neutral and non-polar, at codon 6 of the BBS4 protein (p.Val6Ile). Algorithms developed to predict the effect of missense changes on protein structure and function (SIFT, PolyPhen-2, Align-GVGD) all suggest that this variant is likely to be tolerated. In summary, the available evidence is currently insufficient to determine the role of this variant in disease. Therefore, it has been classified as a Variant of Uncertain Significance.

NM_033028.5(BBS4):c.16G>A (p.Val6Ile)

Gene: BBS4 (Bardet-Biedl syndrome 4; plus strand). Cytogenetic location: 15q24.1.
Variant type: single nucleotide variant.
Coding change: c.16G>A on transcript NM_033028.5 (MANE Select); coding-DNA position 16, G replaced by A.
Protein change: p.Val6Ile; replaces valine 6 with isoleucine.
Molecular consequence: missense variant. On other transcripts: 5 prime UTR variant (1), non-coding transcript variant (2).
Genome position (GRCh38, 1-based): chr15:72,686,243, G>A. VCF-style: chr15-72686243-G-A. GRCh37 (hg19) VCF-style: chr15-72978584-G-A.
Other names: c.-454G>A (NM_001252678.2); c.16G>A, p.Val6Ile (NM_001320665.2); short protein forms V6I.
Identifiers: ClinVar variation 2118470 (VCV002118470.4), dbSNP rs1234241975, ClinGen allele CA393075042.